The following is an entry in ClinVar:

ClinVar aggregate classification (germline): Uncertain significance. Review status: criteria provided, multiple submitters, no conflicts (2 of 4 stars). 2 submissions from 2 submitters: Uncertain significance (2). Last evaluated 2025-08-25.

Conditions:
Emery-Dreifuss muscular dystrophy (EDMD). Also called: Scapuloperoneal syndrome, X-linked (formerly); Humeroperoneal neuromuscular disease, (formerly). Identifiers: Orphanet 261, MedGen C0410189, MONDO:0016830.

Allele frequency attached by ClinVar (database versions not stated): ExAC 0.00001; gnomAD exomes 0.00002; TOPMed 0.00002.
gnomAD v4.1: 26 of 1,613,924 alleles (0.0016%); highest among the groups gnomAD compares: Non-Finnish European, 0.0021%; 1 homozygote.

Submissions (2):

Labcorp Genetics (formerly Invitae), Labcorp
Classification: Uncertain significance for Emery-Dreifuss muscular dystrophy. Last evaluated: 2025-08-25. Review status: criteria provided, single submitter. Criteria: Invitae Variant Classification Sherloc (09022015). Collection method: clinical testing. Allele origin: germline.
Comment: This sequence change replaces glutamine, which is neutral and polar, with lysine, which is basic and polar, at codon 218 of the SUN1 protein (p.Gln218Lys). This variant is present in population databases (rs770167481, gnomAD 0.005%). This variant has not been reported in the literature in individuals affected with SUN1-related conditions. ClinVar contains an entry for this variant (Variation ID: 2053145). An algorithm developed to predict the effect of missense changes on protein structure and function (PolyPhen-2) suggests that this variant is likely to be tolerated. In summary, the available evidence is currently insufficient to determine the role of this variant in disease. Therefore, it has been classified as a Variant of Uncertain Significance.

Ambry Genetics
Classification: Uncertain significance. Last evaluated: 2023-12-18. Review status: criteria provided, single submitter. Criteria: Ambry Variant Classification Scheme 2023. Collection method: clinical testing. Allele origin: germline.

NM_001130965.3(SUN1):c.652C>A (p.Gln218Lys)

Gene: SUN1 (Sad1 and UNC84 domain containing 1; plus strand). Cytogenetic location: 7p22.3.
Variant type: single nucleotide variant.
Coding change: c.652C>A on transcript NM_001130965.3 (MANE Select); coding-DNA position 652, C replaced by A.
Protein change: p.Gln218Lys; replaces glutamine 218 with lysine.
Molecular consequence: missense variant. On other transcripts: non-coding transcript variant (3), intron variant (1), synonymous variant (1), 5 prime UTR variant (1).
Genome position (GRCh38, 1-based): chr7:843,514, C>A. VCF-style: chr7-843514-C-A. GRCh37 (hg19) VCF-style: chr7-883151-C-A.
Other names: c.652C>A (NM_001130965.2); c.502C>A, p.Gln168Lys (NM_001367689.1, NM_001367691.1, NM_025154.6 and 24 more transcripts); c.652C>A, p.Gln218Lys (NM_001367690.1, NM_001367692.1, NM_001367693.1 and 32 more transcripts); c.463C>A, p.Gln155Lys (NM_001367695.1); c.85C>A, p.Gln29Lys (NM_001367708.1, NM_001367639.1); c.451+1384C>A (NM_001171944.2); c.715C>A, p.Gln239Lys (NM_001171945.2); c.195C>A, p.Ile65= (NM_001367635.1); and 3 more; short protein forms Q218K, Q29K, Q155K, Q291K, Q227K, Q239K, Q168K.
Identifiers: ClinVar variation 2053145 (VCV002053145.5), dbSNP rs770167481, ClinGen allele CA4111631.
Genomic context (GRCh38, chr7:843,514, plus strand): 5'-CTCACGGCGCACCCCGCGGCCCCCGGGCCCGTGTCGAGAGTTTATTCTAGGGACAGGAAT[C>A]AAAAATGTAAGTCTCAGTCCTTTAAAACTCAGAAAAAGGTGTGTTTTCCAAATTTAATAT-3'
Protein context (NP_001124437.1, residues 208-228): VSRVYSRDRN[Gln218Lys]KCYFLLQILR